The following is an entry in ClinVar:

ClinVar aggregate classification (germline): Uncertain significance (1 of 4 stars; one submission).

gnomAD v4.1: 6 of 1,613,980 alleles (0.00037%); highest among the groups gnomAD compares: Admixed American, 0.01%; no homozygotes.

Submission:

Labcorp Genetics (formerly Invitae), Labcorp
Classification: Uncertain significance. Last evaluated: 2023-03-03. Review status: criteria provided, single submitter. Criteria: Invitae Variant Classification Sherloc (09022015). Collection method: clinical testing. Allele origin: germline.
Comment: This sequence change replaces tyrosine, which is neutral and polar, with cysteine, which is neutral and slightly polar, at codon 9 of the NDUFB9 protein (p.Tyr9Cys). This variant is present in population databases (rs747887062, gnomAD 0.01%). This variant has not been reported in the literature in individuals affected with NDUFB9-related conditions. ClinVar contains an entry for this variant (Variation ID: 1431983). An algorithm developed to predict the effect of missense changes on protein structure and function (PolyPhen-2) suggests that this variant is likely to be disruptive. In summary, the available evidence is currently insufficient to determine the role of this variant in disease. Therefore, it has been classified as a Variant of Uncertain Significance.

NM_005005.3(NDUFB9):c.26A>G (p.Tyr9Cys)

Gene: NDUFB9 (NADH:ubiquinone oxidoreductase subunit B9; plus strand). Cytogenetic location: 8q24.13.
Variant type: single nucleotide variant.
Coding change: c.26A>G on transcript NM_005005.3 (MANE Select); coding-DNA position 26, A replaced by G.
Protein change: p.Tyr9Cys; replaces tyrosine 9 with cysteine.
Molecular consequence: missense variant. On other transcripts: 5 prime UTR variant (2).
Genome position (GRCh38, 1-based): chr8:124,539,212, A>G. VCF-style: chr8-124539212-A-G. GRCh37 (hg19) VCF-style: chr8-125551453-A-G.
Other names: c.-108A>G (NM_001278645.2); c.-102A>G (NM_001278646.2); c.26A>G, p.Tyr9Cys (NM_001311168.2); short protein forms Y9C.
Identifiers: ClinVar variation 1431983 (VCV001431983.6), dbSNP rs747887062, ClinGen allele CA4871438.